The following is an entry in ClinVar:

ClinVar aggregate classification (germline): Uncertain significance (1 of 4 stars; one submission).

Conditions:
Deficiency of adenosine deaminase 2. Also called: Polyarteritis nodosa, childhoood-onset; Adenosine Deaminase 2 Deficiency; VASCULITIS, AUTOINFLAMMATION, IMMUNODEFICIENCY, AND HEMATOLOGIC DEFECTS SYNDROME. Identifiers: Orphanet 404553, MedGen C3887654, MONDO:0014306, OMIM 615688, MONDO:0100317.

Allele frequency attached by ClinVar (database versions not stated): gnomAD exomes below 0.00001 and 0.00001; ExAC 0.00001.
gnomAD v4.1: 2 of 1,614,048 alleles (0.00012%); highest among the groups gnomAD compares: South Asian, 0.0011%; no homozygotes.

Submission:

Labcorp Genetics (formerly Invitae), Labcorp
Classification: Uncertain significance for Deficiency of adenosine deaminase 2. Last evaluated: 2022-07-18. Review status: criteria provided, single submitter. Criteria: Invitae Variant Classification Sherloc (09022015). Collection method: clinical testing. Allele origin: germline.
Comment: This sequence change replaces methionine, which is neutral and non-polar, with valine, which is neutral and non-polar, at codon 21 of the ADA2 protein (p.Met21Val). This variant is present in population databases (rs773893396, gnomAD 0.003%). This variant has not been reported in the literature in individuals affected with ADA2-related conditions. ClinVar contains an entry for this variant (Variation ID: 1362202). Algorithms developed to predict the effect of missense changes on protein structure and function output the following: SIFT: "Tolerated"; PolyPhen-2: "Benign"; Align-GVGD: "Class C0". The valine amino acid residue is found in multiple mammalian species, which suggests that this missense change does not adversely affect protein function. Algorithms developed to predict the effect of sequence changes on RNA splicing suggest that this variant may disrupt the consensus splice site. In summary, the available evidence is currently insufficient to determine the role of this variant in disease. Therefore, it has been classified as a Variant of Uncertain Significance.

NM_001282225.2(ADA2):c.61A>G (p.Met21Val)

Gene: ADA2 (adenosine deaminase 2; minus strand). Cytogenetic location: 22q11.1.
Variant type: single nucleotide variant.
Coding change: c.61A>G on transcript NM_001282225.2 (MANE Select); coding-DNA position 61, A replaced by G.
Protein change: p.Met21Val; replaces methionine 21 with valine.
Molecular consequence: missense variant. On other transcripts: intron variant (3).
Genome position (GRCh38, 1-based): chr22:17,209,617, T>C on the plus strand (A>G on the coding strand, the complement: ADA2 is on the minus strand). VCF-style: chr22-17209617-T-C. GRCh37 (hg19) VCF-style: chr22-17690507-T-C.
Other names: c.61A>G, p.Met21Val (NM_001282226.2); c.-47-19A>G (NM_001282227.2, NM_001282228.2); c.-38-2327A>G (NM_001282229.2); short protein forms M21V.
Identifiers: ClinVar variation 1362202 (VCV001362202.5), dbSNP rs773893396, ClinGen allele CA10088350.